The following is an entry in ClinVar:

ClinVar aggregate classification (germline): Uncertain significance. Review status: criteria provided, multiple submitters, no conflicts (2 of 4 stars). 2 submissions from 2 submitters: Uncertain significance (2). Last evaluated 2023-05-01.

Conditions:
Xeroderma pigmentosum (XP). Identifiers: Orphanet 910, MedGen C0043346, MONDO:0019600.

Allele frequency attached by ClinVar (database versions not stated): ExAC 0.00005; gnomAD 0.00005 and 0.00006; gnomAD exomes 0.00005 and 0.00007; ESP Exome Variant Server 0.00008; TOPMed 0.00010.

Submissions (2):

CeGaT Center for Human Genetics Tuebingen
Classification: Uncertain significance. Last evaluated: 2023-05-01. Review status: criteria provided, single submitter. Criteria: CeGaT Center For Human Genetics Tuebingen Variant Classification Criteria Version 2. Collection method: clinical testing. Allele origin: germline. Affected: yes. Observed: 1 variant allele.
Comment: POLH: PM2, BP4

Sema4
Classification: Uncertain significance for Xeroderma pigmentosum. Last evaluated: 2022-02-26. Review status: criteria provided, single submitter. Criteria: Sema4 Curation Guidelines. Collection method: curation. Allele origin: germline.
Comment: The POLH c.413C>T (p.S138L) variant has not been reported in the literature to our knowledge. It was observed in 12/251488 chromosomes across all populations in the large and broad cohorts of the Genome Aggregation Database (PMID: 32461654). The variant has not been reported in ClinVar. Functional studies have not been performed, and in silico predictions of the variant's effect on protein function are inconclusive. The evidence is insufficient to meet ACMG/AMP criteria for classifying the variant as benign or pathogenic. Thus, the clinical significance of this variant is currently uncertain.

NM_006502.3(POLH):c.413C>T (p.Ser138Leu)

Gene: POLH (DNA polymerase eta; plus strand). Cytogenetic location: 6p21.1.
Variant type: single nucleotide variant.
Coding change: c.413C>T on transcript NM_006502.3 (MANE Select); coding-DNA position 413, C replaced by T.
Protein change: p.Ser138Leu; replaces serine 138 with leucine.
Molecular consequence: missense variant. On other transcripts: intron variant (1).
Genome position (GRCh38, 1-based): chr6:43,587,412, C>T. VCF-style: chr6-43587412-C-T. GRCh37 (hg19) VCF-style: chr6-43555149-C-T.
Other names: c.413C>T, p.Ser138Leu (NM_001291970.2); c.118+4271C>T (NM_001291969.2); short protein forms S138L.
Identifiers: ClinVar variation 1692931 (VCV001692931.24), dbSNP rs142827517, ClinGen allele CA3826965.
Genomic context (GRCh38, chr6:43,587,412, plus strand): 5'-ACGTAGATCTGACCAGTGCTGTACAAGAGAGACTACAAAAGCTACAAGGTCAGCCTATCT[C>T]GGCAGACTTGTTGCCAAGCACTTACATTGAAGGGTTGCCCCAAGGCCCTACAACGGCAGA-3'
Protein context (NP_006493.1, residues 128-148): RLQKLQGQPI[Ser138Leu]ADLLPSTYIE